The following is an entry in ClinVar:

ClinVar aggregate classification (germline): Pathogenic. Review status: criteria provided, multiple submitters, no conflicts (2 of 4 stars). 3 submissions from 3 submitters: Pathogenic (2). 1 of the submissions does not count toward it. Last evaluated 2024-12-17.

Conditions:
Von Hippel-Lindau syndrome (VHLS). Also called: Von Hippel-Lindau; von Hippel–Lindau syndrome; VHL syndrome. Identifiers: Orphanet 892, MedGen C0019562, MONDO:0008667, OMIM 193300. Disease mechanism: loss of function.
Chuvash polycythemia. Also called: POLYCYTHEMIA, VHL-DEPENDENT. Identifiers: Orphanet 238557, MedGen C1837915, MONDO:0009892, OMIM 263400.
Hereditary cancer-predisposing syndrome. Also called: Tumor predisposition; Hereditary neoplastic syndrome; Neoplastic Syndromes, Hereditary; Hereditary Cancer Syndrome. Identifiers: Orphanet 140162, MedGen C0027672, MeSH D009386, MONDO:0015356.

Submissions (3):

Labcorp Genetics (formerly Invitae), Labcorp
Classification: Pathogenic for Von Hippel-Lindau syndrome; Chuvash polycythemia. Last evaluated: 2024-12-17. Review status: criteria provided, single submitter. Criteria: Invitae Variant Classification Sherloc (09022015). Collection method: clinical testing. Allele origin: germline.
Comment: This sequence change creates a premature translational stop signal (p.Cys162*) in the VHL gene. While this is not anticipated to result in nonsense mediated decay, it is expected to disrupt the last 52 amino acid(s) of the VHL protein. This variant is not present in population databases (gnomAD no frequency). This premature translational stop signal has been observed in individual(s) with von Hippel-Lindau syndrome (PMID: 28388566). ClinVar contains an entry for this variant (Variation ID: 223226). This variant disrupts a region of the VHL protein in which other variant(s) (p.Ser183*) have been determined to be pathogenic (PMID: 8707293, 10567493, 11309459). This suggests that this is a clinically significant region of the protein, and that variants that disrupt it are likely to be disease-causing. For these reasons, this variant has been classified as Pathogenic.

Ambry Genetics
Classification: Pathogenic for Hereditary cancer-predisposing syndrome. Last evaluated: 2023-01-03. Review status: criteria provided, single submitter. Criteria: Ambry Variant Classification Scheme 2023. Collection method: clinical testing. Allele origin: germline.
Comment: The p.C162* pathogenic mutation (also known as c.486C>A), located in coding exon 3 of the VHL gene, results from a C to A substitution at nucleotide position 486. This changes the amino acid from a cysteine to a stop codon within coding exon 3. This alteration occurs at the 3' terminus of theVHL gene, is not expected to trigger nonsense-mediated mRNA decay, and only impacts the last 23.9% of the protein. However, premature stop codons are typically deleterious in nature and the impacted region is critical for protein function (Ambry internal data). This alteration has been observed in multiple individuals with a personal and/or family history that is consistent with VHL-related disease (Fagundes GFC et al. J Endocr Soc, 2019 Sep;3:1682-1692; Peng S et al. Oncotarget, 2017 Jun;8:38456-38465). Based on the supporting evidence, this alteration is interpreted as a disease-causing mutation.

Genomic Diagnostic Laboratory, Division of Genomic Diagnostics, Children's Hospital of Philadelphia
Classification: Likely pathogenic for Von Hippel-Lindau syndrome. Last evaluated: 2016-02-26. Review status: no assertion criteria provided. Collection method: clinical testing. Allele origin: germline. Observed: 5 variant alleles. Not counted in ClinVar's aggregate classification.

Literature cited by the submitters: PubMed 28388566 (cited by Labcorp Genetics (formerly Invitae), Labcorp and Ambry Genetics); PubMed 8707293 (cited by Labcorp Genetics (formerly Invitae), Labcorp); PubMed 10567493 (cited by Labcorp Genetics (formerly Invitae), Labcorp); PubMed 11309459 (cited by Labcorp Genetics (formerly Invitae), Labcorp); PubMed 31528828 (cited by Ambry Genetics).

NM_000551.4(VHL):c.486C>A (p.Cys162Ter)

Genes: VHL (von Hippel-Lindau tumor suppressor; plus strand), LOC107303340 (3p25 von Hippel-Lindau tumor suppressor, E3 ubiquitin protein ligase Alu-mediated recombination region; plus strand). Cytogenetic location: 3p25.3.
Variant type: single nucleotide variant.
Coding change: c.486C>A on transcript NM_000551.4 (MANE Select); coding-DNA position 486, C replaced by A.
Protein change: p.Cys162Ter; replaces cysteine 162 with a stop codon.
Molecular consequence: nonsense. On other transcripts: 3 prime UTR variant (1).
Genome position (GRCh38, 1-based): chr3:10,149,809, C>A. VCF-style: chr3-10149809-C-A. GRCh37 (hg19) VCF-style: chr3-10191493-C-A.
Other names: c.*40C>A (NM_001354723.2); c.363C>A, p.Cys121Ter (NM_198156.3); short protein forms C162*, C121*.
Identifiers: ClinVar variation 223226 (VCV000223226.12), dbSNP rs5030622, ClinGen allele CA357112.